The following is an entry in ClinVar:

NM_001458.5(FLNC):c.300_301dup (p.Ser101fs)

Gene: FLNC (filamin C; plus strand). Cytogenetic location: 7q32.1.
Variant type: Microsatellite.
Coding change: c.300_301dup on transcript NM_001458.5 (MANE Select); coding-DNA positions 300 to 301, 2 bases duplicated (GT; older notation c.300_301dupGT).
Protein change: p.Ser101fs; shifts the reading frame from serine 101.
Molecular consequence: frameshift variant.
Genome position (GRCh38, 1-based): chr7:128,830,937-128,830,938, GT duplicated; duplicating any 2 consecutive bases within chr7:128,830,935-128,830,938 gives the same sequence; the c. name uses the placement nearest the transcript's 3' end. VCF-style (leftmost placement, unchanged base first): chr7-128830934-C-CGT. GRCh37 (hg19) VCF-style: chr7-128470988-C-CGT.
Other names: c.300_301dup, p.Ser101fs (NM_001127487.2); short protein forms S101fs.
Identifiers: ClinVar variation 2954117 (VCV002954117.3), dbSNP rs2536605672, ClinGen allele CA2740097530.

ClinVar aggregate classification (germline): Pathogenic (1 of 4 stars; one submission).

Conditions:
Hypertrophic cardiomyopathy 26. Also called: Cardiomyopathy, familial hypertrophic, 26. Identifiers: Orphanet 75249, MedGen C4310749, MONDO:0014883, OMIM 617047.
Myofibrillar myopathy 5. Also called: Filaminopathy (type); FILAMINOPATHY, AUTOSOMAL DOMINANT. Identifiers: Orphanet 171445, MedGen C1836050, MONDO:0012289, OMIM 609524.
Distal myopathy with posterior leg and anterior hand involvement. Also called: WILLIAMS DISTAL MYOPATHY. Identifiers: Orphanet 63273, MedGen C3279722, MONDO:0013550, OMIM 614065.

Submission:

Labcorp Genetics (formerly Invitae), Labcorp
Classification: Pathogenic for Distal myopathy with posterior leg and anterior hand involvement; Myofibrillar myopathy 5; Hypertrophic cardiomyopathy 26. Last evaluated: 2026-01-18. Review status: criteria provided, single submitter. Criteria: Invitae Variant Classification Sherloc (09022015). Collection method: clinical testing. Allele origin: germline.
Comment: This sequence change creates a premature translational stop signal (p.Ser101Cysfs*18) in the FLNC gene. It is expected to result in an absent or disrupted protein product. Loss-of-function variants in FLNC are known to be pathogenic (PMID: 27908349). This variant is not present in population databases (gnomAD no frequency). This variant has not been reported in the literature in individuals affected with FLNC-related conditions. For these reasons, this variant has been classified as Pathogenic.

Literature cited by the submitters: PubMed 27908349.